The following is an entry in ClinVar:

NM_004333.6(BRAF):c.1936C>G (p.Leu646Val)

Gene: BRAF (B-Raf proto-oncogene, serine/threonine kinase; minus strand). Cytogenetic location: 7q34.
Variant type: single nucleotide variant.
Coding change: c.1936C>G on transcript NM_004333.6 (MANE Select); coding-DNA position 1936, C replaced by G.
Protein change: p.Leu646Val; replaces leucine 646 with valine.
Molecular consequence: missense variant.
Genome position (GRCh38, 1-based): chr7:140,749,343, G>C on the plus strand (C>G on the coding strand, the complement: BRAF is on the minus strand). VCF-style: chr7-140749343-G-C. GRCh37 (hg19) VCF-style: chr7-140449143-G-C.
Other names: c.1936C>G, p.Leu646Val (NM_001354609.2, NM_001378468.1, NM_001378474.1); c.2056C>G, p.Leu686Val (NM_001374244.1, NM_001374258.1); c.1945C>G, p.Leu649Val (NM_001378467.1); c.1870C>G, p.Leu624Val (NM_001378469.1); c.1834C>G, p.Leu612Val (NM_001378470.1); c.1825C>G, p.Leu609Val (NM_001378471.1); c.1780C>G, p.Leu594Val (NM_001378472.1, NM_001378473.1); c.1672C>G, p.Leu558Val (NM_001378475.1); short protein forms L594V, L612V, L646V, L558V, L609V, L624V, L649V, L686V.
Identifiers: ClinVar variation 2866122 (VCV002866122.4), dbSNP rs758803218, ClinGen allele CA4516630.
Genomic context (GRCh38, chr7:140,749,343, plus strand): 5'-TTACCTGGTCCCTGTTGTTGATGTTTGAATAAGGTAACTGTCCAGTCATCAATTCATACA[G>C]AACAATTCCAAATGCATATACATCTGACTGAAAGCTGTATGGATTTTTATCTTGCATTCT-3'
Protein context (NP_004324.2, residues 636-656): QSDVYAFGIV[Leu646Val]YELMTGQLPY

ClinVar aggregate classification (germline): Uncertain significance. Review status: criteria provided, multiple submitters, no conflicts (2 of 4 stars). 2 submissions from 2 submitters: Uncertain significance (2). Last evaluated 2024-08-07.

Conditions:
RASopathy. Also called: rasopathies; Noonan spectrum disorder. Identifiers: Orphanet 536391, MedGen C5555857, MONDO:0021060.

Allele frequency attached by ClinVar (database versions not stated): gnomAD exomes below 0.00001; TOPMed below 0.00001; ExAC 0.00001; gnomAD 0.00001.

Submissions (2):

GeneDx
Classification: Uncertain significance. Last evaluated: 2024-08-07. Review status: criteria provided, single submitter. Criteria: GeneDx Variant Classification Process June 2021. Collection method: clinical testing. Allele origin: germline. Affected: yes.
Comment: Missense variants in this gene are a common cause of disease and they are underrepresented in the general population; In silico analysis supports that this missense variant has a deleterious effect on protein structure/function; Has not been previously published as pathogenic or benign to our knowledge; This variant is associated with the following publications: (PMID: 29493581)

Labcorp Genetics (formerly Invitae), Labcorp
Classification: Uncertain significance for RASopathy. Last evaluated: 2024-01-03. Review status: criteria provided, single submitter. Criteria: Invitae Variant Classification Sherloc (09022015). Collection method: clinical testing. Allele origin: germline.
Comment: This sequence change replaces leucine, which is neutral and non-polar, with valine, which is neutral and non-polar, at codon 646 of the BRAF protein (p.Leu646Val). The frequency data for this variant in the population databases is considered unreliable, as metrics indicate poor data quality at this position in the gnomAD database. This variant has not been reported in the literature in individuals affected with BRAF-related conditions. Advanced modeling of protein sequence and biophysical properties (such as structural, functional, and spatial information, amino acid conservation, physicochemical variation, residue mobility, and thermodynamic stability) performed at Invitae indicates that this missense variant is not expected to disrupt BRAF protein function with a negative predictive value of 80%. In summary, the available evidence is currently insufficient to determine the role of this variant in disease. Therefore, it has been classified as a Variant of Uncertain Significance.